The following is an entry in ClinVar:

NM_016120.4(RLIM):c.1343G>T (p.Gly448Val)

Gene: RLIM (ring finger protein, LIM domain interacting; minus strand). Cytogenetic location: Xq13.2.
Variant type: single nucleotide variant.
Coding change: c.1343G>T on transcript NM_016120.4 (MANE Select); coding-DNA position 1343, G replaced by T.
Protein change: p.Gly448Val; replaces glycine 448 with valine.
Molecular consequence: missense variant.
Genome position (GRCh38, 1-based): chrX:74,591,972, C>A on the plus strand (G>T on the coding strand, the complement: RLIM is on the minus strand). VCF-style: chrX-74591972-C-A. GRCh37 (hg19) VCF-style: chrX-73811807-C-A.
Other names: c.1343G>T, p.Gly448Val (NM_183353.3); short protein forms G448V.
Identifiers: ClinVar variation 3900396 (VCV003900396.1).

ClinVar aggregate classification (germline): Uncertain significance (1 of 4 stars; one submission).

gnomAD v4.1: 1 of 1,211,728 alleles (0.000083%); highest among the groups gnomAD compares: Non-Finnish European, 0.00011%; no homozygotes.

Submission:

GeneDx
Classification: Uncertain significance. Last evaluated: 2024-11-19. Review status: criteria provided, single submitter. Criteria: GeneDx Variant Classification Process June 2021. Collection method: clinical testing. Allele origin: germline. Affected: yes.
Comment: Not observed at significant frequency in large population cohorts (gnomAD); In silico analysis indicates that this missense variant does not alter protein structure/function; Has not been previously published as pathogenic or benign to our knowledge